The following is an entry in ClinVar:

NM_152327.5(AK7):c.1709T>C (p.Val570Ala)

Gene: AK7 (adenylate kinase 7; plus strand). Cytogenetic location: 14q32.2.
Variant type: single nucleotide variant.
Coding change: c.1709T>C on transcript NM_152327.5 (MANE Select); coding-DNA position 1709, T replaced by C.
Protein change: p.Val570Ala; replaces valine 570 with alanine.
Molecular consequence: missense variant.
Genome position (GRCh38, 1-based): chr14:96,478,618, T>C. VCF-style: chr14-96478618-T-C. GRCh37 (hg19) VCF-style: chr14-96944955-T-C.
Other names: c.1640T>C, p.Val547Ala (NM_001350888.2, NM_001350890.2); c.1631T>C, p.Val544Ala (NM_001350891.2); c.1511T>C, p.Val504Ala (NM_001350892.2); short protein forms V504A, V544A, V547A, V570A.
Identifiers: ClinVar variation 2192596 (VCV002192596.4), dbSNP rs756925348, ClinGen allele CA7337930.

ClinVar aggregate classification (germline): Uncertain significance (1 of 4 stars; one submission).

Allele frequency attached by ClinVar (database versions not stated): TOPMed below 0.00001; gnomAD exomes 0.00001; ExAC 0.00002.
gnomAD v4.1: 18 of 1,614,060 alleles (0.0011%); highest among the groups gnomAD compares: Non-Finnish European, 0.0014%; no homozygotes.

Submission:

Labcorp Genetics (formerly Invitae), Labcorp
Classification: Uncertain significance. Last evaluated: 2022-03-11. Review status: criteria provided, single submitter. Criteria: Invitae Variant Classification Sherloc (09022015). Collection method: clinical testing. Allele origin: germline.
Comment: In summary, the available evidence is currently insufficient to determine the role of this variant in disease. Therefore, it has been classified as a Variant of Uncertain Significance. Algorithms developed to predict the effect of missense changes on protein structure and function are either unavailable or do not agree on the potential impact of this missense change (SIFT: "Tolerated"; PolyPhen-2: "Probably Damaging"; Align-GVGD: "Class C0"). This variant has not been reported in the literature in individuals affected with AK7-related conditions. This variant is present in population databases (rs756925348, gnomAD 0.004%). This sequence change replaces valine, which is neutral and non-polar, with alanine, which is neutral and non-polar, at codon 570 of the AK7 protein (p.Val570Ala).